The following is an entry in ClinVar:

ClinVar aggregate classification (germline): Uncertain significance. Review status: criteria provided, multiple submitters, no conflicts (2 of 4 stars). 2 submissions from 2 submitters: Uncertain significance (2). Last evaluated 2024-12-20.

Allele frequency attached by ClinVar (database versions not stated): gnomAD exomes below 0.00001; ExAC 0.00001; gnomAD 0.00001; TOPMed 0.00003.
gnomAD v4.1: 4 of 1,611,388 alleles (0.00025%); highest among the groups gnomAD compares: Admixed American, 0.0033%; no homozygotes.

Submissions (2):

Ambry Genetics
Classification: Uncertain significance. Last evaluated: 2024-12-20. Review status: criteria provided, single submitter. Criteria: Ambry Variant Classification Scheme 2023. Collection method: clinical testing. Allele origin: germline.

Labcorp Genetics (formerly Invitae), Labcorp
Classification: Uncertain significance. Last evaluated: 2023-12-14. Review status: criteria provided, single submitter. Criteria: Invitae Variant Classification Sherloc (09022015). Collection method: clinical testing. Allele origin: germline.
Comment: This sequence change replaces aspartic acid, which is acidic and polar, with glycine, which is neutral and non-polar, at codon 572 of the SLIT2 protein (p.Asp572Gly). This variant is present in population databases (rs774068467, gnomAD 0.003%). This variant has not been reported in the literature in individuals affected with SLIT2-related conditions. An algorithm developed to predict the effect of missense changes on protein structure and function (PolyPhen-2) suggests that this variant is likely to be disruptive. In summary, the available evidence is currently insufficient to determine the role of this variant in disease. Therefore, it has been classified as a Variant of Uncertain Significance.

NM_004787.4(SLIT2):c.1715A>G (p.Asp572Gly)

Gene: SLIT2 (slit guidance ligand 2; plus strand). Cytogenetic location: 4p15.31.
Variant type: single nucleotide variant.
Coding change: c.1715A>G on transcript NM_004787.4 (MANE Select); coding-DNA position 1715, A replaced by G.
Protein change: p.Asp572Gly; replaces aspartic acid 572 with glycine.
Molecular consequence: missense variant.
Genome position (GRCh38, 1-based): chr4:20,533,598, A>G. VCF-style: chr4-20533598-A-G. GRCh37 (hg19) VCF-style: chr4-20535221-A-G.
Other names: c.1715A>G (NM_004787.1); c.1691A>G, p.Asp564Gly (NM_001289136.3); c.1703A>G, p.Asp568Gly (NM_001289135.3); short protein forms D568G, D564G, D572G.
Identifiers: ClinVar variation 3006925 (VCV003006925.4), dbSNP rs774068467, ClinGen allele CA2871591.
Genomic context (GRCh38, chr4:20,533,598, plus strand): 5'-ATTTAAAACCTTTGTTCCAACAATTTTTATTTAGAAACTTTAGCAACAATAAGATCACAG[A>G]TATTGAGGAGGGAGCATTTGAAGGAGCATCTGGTGTAAATGAAATACTTCTTACGAGTAA-3'
Protein context (NP_004778.1, residues 562-582): KINFSNNKIT[Asp572Gly]IEEGAFEGAS